The following is an entry in ClinVar:

NM_020975.6(RET):c.977A>C (p.Gln326Pro)

Gene: RET (ret proto-oncogene; plus strand). Cytogenetic location: 10q11.21.
Variant type: single nucleotide variant.
Coding change: c.977A>C on transcript NM_020975.6 (MANE Select); coding-DNA position 977, A replaced by C.
Protein change: p.Gln326Pro; replaces glutamine 326 with proline.
Molecular consequence: missense variant. On other transcripts: intron variant (25).
Genome position (GRCh38, 1-based): chr10:43,106,485, A>C. VCF-style: chr10-43106485-A-C. GRCh37 (hg19) VCF-style: chr10-43601933-A-C.
Other names: c.977A>C, p.Gln326Pro (NM_000323.2, NM_001406743.1, NM_001406744.1 and 6 more transcripts); c.215A>C, p.Gln72Pro (NM_001355216.2); c.848A>C, p.Gln283Pro (NM_001406761.1, NM_001406762.1, NM_001406764.1 and 1 more transcripts); c.689A>C, p.Gln230Pro (NM_001406766.1, NM_001406767.1, NM_001406770.1); c.867+1292A>C (NM_001406772.1, NM_001406769.1); c.626-2546A>C (NM_001406773.1, NM_001406771.1); c.625+3856A>C (NM_001406782.1, NM_001406780.1, NM_001406779.1 and 3 more transcripts); c.738+1292A>C (NM_001406774.1); and 5 more; short protein forms Q326P, Q72P, Q230P, Q283P.
Identifiers: ClinVar variation 2587890 (VCV002587890.4), dbSNP rs863224778, ClinGen allele CA376546207.

ClinVar aggregate classification (germline): Uncertain significance. Review status: criteria provided, multiple submitters, no conflicts (2 of 4 stars). 2 submissions from 2 submitters: Uncertain significance (2). Last evaluated 2024-08-11.

Conditions:
Multiple endocrine neoplasia, type 2 (MEN2). Identifiers: Orphanet 653, MedGen C4048306, MONDO:0019003. Disease mechanism: gain of function.
Hereditary cancer-predisposing syndrome. Also called: Tumor predisposition; Hereditary Cancer Syndrome; Hereditary neoplastic syndrome; Neoplastic Syndromes, Hereditary. Identifiers: Orphanet 140162, MedGen C0027672, MeSH D009386, MONDO:0015356.

gnomAD v4.1: 1 of 1,613,732 alleles (0.000062%); highest among the groups gnomAD compares: Non-Finnish European, 0.000085%; no homozygotes.

Submissions (2):

Labcorp Genetics (formerly Invitae), Labcorp
Classification: Uncertain significance for Multiple endocrine neoplasia, type 2. Last evaluated: 2024-08-11. Review status: criteria provided, single submitter. Criteria: Invitae Variant Classification Sherloc (09022015). Collection method: clinical testing. Allele origin: germline.
Comment: This sequence change replaces glutamine, which is neutral and polar, with proline, which is neutral and non-polar, at codon 326 of the RET protein (p.Gln326Pro). This variant is not present in population databases (gnomAD no frequency). This variant has not been reported in the literature in individuals affected with RET-related conditions. ClinVar contains an entry for this variant (Variation ID: 2587890). An algorithm developed to predict the effect of missense changes on protein structure and function (PolyPhen-2) suggests that this variant is likely to be tolerated. In summary, the available evidence is currently insufficient to determine the role of this variant in disease. Therefore, it has been classified as a Variant of Uncertain Significance.

Ambry Genetics
Classification: Uncertain significance for Hereditary cancer-predisposing syndrome. Last evaluated: 2023-08-22. Review status: criteria provided, single submitter. Criteria: Ambry Variant Classification Scheme 2023. Collection method: clinical testing. Allele origin: germline.
Comment: The p.Q326P variant (also known as c.977A>C), located in coding exon 5 of the RET gene, results from an A to C substitution at nucleotide position 977. The glutamine at codon 326 is replaced by proline, an amino acid with similar properties. This amino acid position is poorly conserved in available vertebrate species. In addition, this alteration is predicted to be tolerated by in silico analysis. Since supporting evidence is limited at this time, the clinical significance of this alteration remains unclear.